The following is an entry in ClinVar:

NM_001174150.2(ARL13B):c.379G>T (p.Val127Leu)

Gene: ARL13B (ARF like GTPase 13B; plus strand). Cytogenetic location: 3q11.2.
Variant type: single nucleotide variant.
Coding change: c.379G>T on transcript NM_001174150.2 (MANE Select); coding-DNA position 379, G replaced by T.
Protein change: p.Val127Leu; replaces valine 127 with leucine.
Molecular consequence: missense variant. On other transcripts: intron variant (1).
Genome position (GRCh38, 1-based): chr3:94,003,907, G>T. VCF-style: chr3-94003907-G-T. GRCh37 (hg19) VCF-style: chr3-93722751-G-T.
Other names: c.70G>T, p.Val24Leu (NM_001174151.2); c.334G>T, p.Val112Leu (NM_001321328.2); c.379G>T, p.Val127Leu (NM_182896.3); c.59+23425G>T (NM_144996.4); short protein forms V127L, V112L, V24L.
Identifiers: ClinVar variation 207910 (VCV000207910.7), dbSNP rs771933896, ClinGen allele CA204179.

ClinVar aggregate classification (germline): Uncertain significance. Review status: criteria provided, multiple submitters, no conflicts (2 of 4 stars). 3 submissions from 3 submitters: Uncertain significance (2). 1 of the submissions does not count toward it. Last evaluated 2024-08-12.

Conditions:
Long QT syndrome (LQTS). Identifiers: MedGen C0023976, MeSH D008133, MONDO:0002442. Disease mechanism: loss of function. Inheritance: Various modes of inheritance.
Joubert syndrome 8 (JBTS8). Identifiers: Orphanet 475, MedGen C2676771, MONDO:0012855, OMIM 612291.

Allele frequency attached by ClinVar (database versions not stated): ExAC 0.00001; gnomAD exomes 0.00001; gnomAD 0.00004; TOPMed 0.00006.
gnomAD v4.1: 40 of 1,613,274 alleles (0.0025%); highest among the groups gnomAD compares: East Asian, 0.0045%; no homozygotes.

Submissions (3):

Blueprint Genetics
Classification: Uncertain significance. Last evaluated: 2024-08-12. Review status: criteria provided, single submitter. Criteria: ACMG Guidelines, 2015. Collection method: clinical testing. Allele origin: germline.

Labcorp Genetics (formerly Invitae), Labcorp
Classification: Uncertain significance for Joubert syndrome 8. Last evaluated: 2022-07-31. Review status: criteria provided, single submitter. Criteria: Invitae Variant Classification Sherloc (09022015). Collection method: clinical testing. Allele origin: germline.
Comment: This sequence change replaces valine, which is neutral and non-polar, with leucine, which is neutral and non-polar, at codon 127 of the ARL13B protein (p.Val127Leu). This variant is present in population databases (rs771933896, gnomAD 0.0009%). This variant has not been reported in the literature in individuals affected with ARL13B-related conditions. ClinVar contains an entry for this variant (Variation ID: 207910). Algorithms developed to predict the effect of missense changes on protein structure and function are either unavailable or do not agree on the potential impact of this missense change (SIFT: "Tolerated"; PolyPhen-2: "Possibly Damaging"; Align-GVGD: "Class C0"). In summary, the available evidence is currently insufficient to determine the role of this variant in disease. Therefore, it has been classified as a Variant of Uncertain Significance.

Medical Research Institute, Tokyo Medical and Dental University
Classification: Likely benign for Long QT syndrome. Review status: no assertion criteria provided. Collection method: research. Allele origin: germline. Affected: yes. Not counted in ClinVar's aggregate classification.

Literature cited by the submitters: PubMed 26132555 (cited by Medical Research Institute, Tokyo Medical and Dental University).